The following is an entry in ClinVar:

NM_004183.4(BEST1):c.636+6C>T

Gene: BEST1 (bestrophin 1; plus strand). Cytogenetic location: 11q12.3.
Variant type: single nucleotide variant.
Coding change: c.636+6C>T on transcript NM_004183.4 (MANE Select); 6 bases into the intron after coding-DNA position 636, C replaced by T.
Molecular consequence: intron variant.
Genome position (GRCh38, 1-based): chr11:61,957,004, C>T. VCF-style: chr11-61957004-C-T. GRCh37 (hg19) VCF-style: chr11-61724476-C-T.
Other names: c.636+6C>T (NM_001363592.2, NM_001440571.1, NM_001440572.1 and 1 more transcripts); c.456+6C>T (NM_001139443.3, NM_001300787.2, NM_001440574.1 and 3 more transcripts); c.-540+6C>T (NM_001363593.3); c.318+6C>T (NM_001363591.3).
Identifiers: ClinVar variation 1041577 (VCV001041577.6), dbSNP rs1459708062, ClinGen allele CA599525298.

ClinVar aggregate classification (germline): Uncertain significance (1 of 4 stars; one submission).

Allele frequency attached by ClinVar (database versions not stated): gnomAD exomes below 0.00001; gnomAD 0.00001; TOPMed 0.00002.
gnomAD v4.1: 2 of 1,613,974 alleles (0.00012%); highest among the groups gnomAD compares: African/African-American, 0.0027%; no homozygotes.

Submission:

Labcorp Genetics (formerly Invitae), Labcorp
Classification: Uncertain significance. Last evaluated: 2022-02-08. Review status: criteria provided, single submitter. Criteria: Invitae Variant Classification Sherloc (09022015). Collection method: clinical testing. Allele origin: germline.
Comment: In summary, the available evidence is currently insufficient to determine the role of this variant in disease. Therefore, it has been classified as a Variant of Uncertain Significance. Variants that disrupt the consensus splice site are a relatively common cause of aberrant splicing (PMID: 17576681, 9536098). Algorithms developed to predict the effect of sequence changes on RNA splicing suggest that this variant is not likely to affect RNA splicing. ClinVar contains an entry for this variant (Variation ID: 1041577). This variant has not been reported in the literature in individuals affected with BEST1-related conditions. This variant is present in population databases (no rsID available, gnomAD 0.007%). This sequence change falls in intron 5 of the BEST1 gene. It does not directly change the encoded amino acid sequence of the BEST1 protein. It affects a nucleotide within the consensus splice site.

Literature cited by the submitters: PubMed 17576681; PubMed 9536098.